The following is an entry in ClinVar:

NM_152564.5(VPS13B):c.5740C>A (p.Arg1914=)

Gene: VPS13B (vacuolar protein sorting 13 homolog B; plus strand). Cytogenetic location: 8q22.2.
Variant type: single nucleotide variant.
Coding change: c.5740C>A on transcript NM_152564.5 (MANE Select); coding-DNA position 5740, C replaced by A.
Protein change: p.Arg1914=; no amino-acid change (arginine 1914 retained).
Molecular consequence: synonymous variant.
Genome position (GRCh38, 1-based): chr8:99,642,330, C>A. VCF-style: chr8-99642330-C-A. GRCh37 (hg19) VCF-style: chr8-100654558-C-A.
Other names: c.5815C>A, p.Arg1939= (NM_017890.5).
Identifiers: ClinVar variation 4063226 (VCV004063226.3).

ClinVar aggregate classification (germline): Likely benign. Review status: criteria provided, multiple submitters, no conflicts (2 of 4 stars). 3 submissions from 3 submitters: Likely benign (2). 1 of the submissions does not count toward it. Last evaluated 2025-10-28.

Conditions:
VPS13B-related disorder. Also called: VPS13B-related condition.
Cohen syndrome (COH1). Also called: PEPPER SYNDROME; Cutis verticis gyrata, retinitis pigmentosa, and sensorineural deafness. Identifiers: Orphanet 193, MedGen C0265223, MONDO:0008999, OMIM 216550.

gnomAD v4.1: 2 of 1,614,108 alleles (0.00012%); highest among the groups gnomAD compares: Admixed American, 0.0033%; no homozygotes.

Submissions (3):

Labcorp Genetics (formerly Invitae), Labcorp
Classification: Likely benign for Cohen syndrome. Last evaluated: 2025-10-28. Review status: criteria provided, single submitter. Criteria: Invitae Variant Classification Sherloc (09022015). Collection method: clinical testing. Allele origin: germline.

PreventionGenetics, part of Exact Sciences
Classification: Likely benign for VPS13B-related condition. Last evaluated: 2024-10-19. Review status: criteria provided, single submitter. Criteria: ACMG Guidelines, 2015. Collection method: clinical testing. Allele origin: germline.
Comment: This variant is classified as likely benign based on ACMG/AMP sequence variant interpretation guidelines (Richards et al. 2015 PMID: 25741868, with internal and published modifications).

Natera, Inc.
Classification: Uncertain significance for Cohen syndrome. Last evaluated: 2025-02-14. Review status: no assertion criteria provided. Collection method: clinical testing. Allele origin: germline. Not counted in ClinVar's aggregate classification.